The following is an entry in ClinVar:

NM_177438.3(DICER1):c.1039T>C (p.Phe347Leu)

Gene: DICER1 (dicer 1, ribonuclease III; minus strand). Cytogenetic location: 14q32.13.
Variant type: single nucleotide variant.
Coding change: c.1039T>C on transcript NM_177438.3 (MANE Select); coding-DNA position 1039, T replaced by C.
Protein change: p.Phe347Leu; replaces phenylalanine 347 with leucine.
Molecular consequence: missense variant. On other transcripts: non-coding transcript variant (6), 5 prime UTR variant (1).
Genome position (GRCh38, 1-based): chr14:95,124,533, A>G on the plus strand (T>C on the coding strand, the complement: DICER1 is on the minus strand). VCF-style: chr14-95124533-A-G. GRCh37 (hg19) VCF-style: chr14-95590870-A-G.
Other names: c.1039T>C, p.Phe347Leu (NM_030621.4, NM_001195573.1, NM_001271282.3 and 14 more transcripts); c.757T>C, p.Phe253Leu (NM_001395686.1); c.634T>C, p.Phe212Leu (NM_001395687.1, NM_001395688.1, NM_001395689.1 and 3 more transcripts); c.472T>C, p.Phe158Leu (NM_001395691.1); c.-530T>C (NM_001395697.1); short protein forms F158L, F253L, F212L, F347L.
Identifiers: ClinVar variation 4637164 (VCV004637164.1).

ClinVar aggregate classification (germline): Uncertain significance (1 of 4 stars; one submission).

Conditions:
Hereditary cancer-predisposing syndrome. Also called: Neoplastic Syndromes, Hereditary; Tumor predisposition; Hereditary Cancer Syndrome; Hereditary neoplastic syndrome. Identifiers: Orphanet 140162, MedGen C0027672, MeSH D009386, MONDO:0015356.

Submission:

Ambry Genetics
Classification: Uncertain significance for Hereditary cancer-predisposing syndrome. Last evaluated: 2025-10-15. Review status: criteria provided, single submitter. Criteria: Ambry Variant Classification Scheme 2023. Collection method: clinical testing. Allele origin: germline.
Comment: The p.F347L variant (also known as c.1039T>C), located in coding exon 7 of the DICER1 gene, results from a T to C substitution at nucleotide position 1039. The phenylalanine at codon 347 is replaced by leucine, an amino acid with highly similar properties. This amino acid position is conserved. In addition, this alteration is predicted to be tolerated by in silico analysis. Based on the available evidence, the clinical significance of this variant remains unclear.